The following continues an entry in ClinVar:

NM_000142.5(FGFR3):c.1948A>G (p.Lys650Glu)

Gene: FGFR3. ClinVar aggregate classification (germline): Pathogenic. Pathogenic (19).

Submissions 18 to 28 of 28:

Juno Genomics, Hangzhou Juno Genomics, Inc
Classification: Pathogenic for Thanatophoric dysplasia, type 2. Review status: criteria provided, single submitter. Criteria: ACMG Guidelines, 2015. Collection method: clinical testing. Allele origin: germline. Affected: yes.
Comment: Absent from controls (or at extremely low frequency if recessive) in Genome Aggregation Database, Exome Sequencing Project, 1000 Genomes Project, or Exome Aggregation Consortium.;Novel missense change at an amino acid residue where a different missense change determined to be pathogenic has been seen before.;The prevalence of the variant in affected individuals is significantly increased compared to the prevalence in controls.;De novo (both maternity and paternity confirmed) in a patient with the disease and no family history.;Well-established in vitro or in vivo functional studies supportive of a damaging effect on the gene or gene product.

Suma Genomics
Classification: Pathogenic for Thanatophoric dysplasia, type 2. Review status: criteria provided, single submitter. Criteria: ACMG Guidelines, 2015. Collection method: clinical testing. Allele origin: de novo. Inheritance: Autosomal dominant inheritance. Affected: yes. Observed: 1 heterozygote.
Comment: This variant is not observed in parents and the gnomAD database. ACMG classification: Pathogenic

Institute Of Reproduction And Development, Obstetrics and Gynecology Hospital, Fudan University
Classification: Pathogenic. Last evaluated: 2022-02-10. Review status: no assertion criteria provided. Collection method: research. Allele origin: germline. Affected: yes. Observed: 2 variant alleles. Not counted in ClinVar's aggregate classification.

Baylor Genetics
Classification: Pathogenic for thanatophoric dysplasia type 2. Last evaluated: 2018-11-18. Review status: no assertion criteria provided. Collection method: clinical testing. Allele origin: germline. Affected: yes. Not counted in ClinVar's aggregate classification.

OMIM
Classification: Pathogenic for THANATOPHORIC DYSPLASIA, TYPE II. Last evaluated: 2009-11-01. Review status: no assertion criteria provided. Collection method: literature only. Allele origin: unknown. Not counted in ClinVar's aggregate classification.

OMIM
Classification: Pathogenic for MULTIPLE MYELOMA, SOMATIC. Last evaluated: 2009-11-01. Review status: no assertion criteria provided. Collection method: literature only. Allele origin: somatic. Not counted in ClinVar's aggregate classification.

OMIM
Classification: Pathogenic for SPERMATOCYTIC SEMINOMA, SOMATIC. Last evaluated: 2009-11-01. Review status: no assertion criteria provided. Collection method: literature only. Allele origin: somatic. Not counted in ClinVar's aggregate classification.

Clinical Genetics DNA and cytogenetics Diagnostics Lab, Erasmus MC, Erasmus Medical Center
Classification: Pathogenic. Review status: no assertion criteria provided. Collection method: clinical testing. Allele origin: germline. Affected: yes. Study: VKGL Data-share Consensus. Not counted in ClinVar's aggregate classification.

Diagnostic Laboratory, Department of Genetics, University Medical Center Groningen
Classification: Pathogenic. Review status: no assertion criteria provided. Collection method: clinical testing. Allele origin: germline. Affected: yes. Study: VKGL Data-share Consensus. Not counted in ClinVar's aggregate classification.

GeneReviews
No classification provided. Condition: Thanatophoric dysplasia, type 2. Review status: no classification provided. Collection method: literature only. Allele origin: unknown. Not counted in ClinVar's aggregate classification.

Joint Genome Diagnostic Labs from Nijmegen and Maastricht, Radboudumc and MUMC+
Classification: Pathogenic. Review status: no assertion criteria provided. Collection method: clinical testing. Allele origin: germline. Affected: yes. Study: VKGL Data-share Consensus. Not counted in ClinVar's aggregate classification.

Literature cited by the submitters: PubMed 26992226 (cited by Genomenon, Inc); PubMed 8754806 (cited by Genomenon, Inc and Women's Health and Genetics/Laboratory Corporation of America, LabCorp); PubMed 19088846 (cited by 3 submitters); PubMed 9207791 (cited by Genomenon, Inc and OMIM); PubMed 35627109 (cited by Genomenon, Inc); PubMed 24517215 (cited by Genomenon, Inc); PubMed 29458880 (cited by Genomenon, Inc); PubMed 7773297 (cited by 5 submitters); PubMed 9677066 (cited by Genomenon, Inc and OMIM); PubMed 11241532 (cited by 3 submitters); PubMed 21204232 (cited by Genomenon, Inc); PubMed 24075385 (cited by Genomenon, Inc and Labcorp Genetics (formerly Invitae), Labcorp); PubMed 25614871 (cited by 4 submitters); PubMed 32641982 (cited by Genomenon, Inc); PubMed 31476288 (cited by Genomenon, Inc); PubMed 28254233 (cited by Genomenon, Inc); PubMed 27028100 (cited by Genomenon, Inc); PubMed 8589699 (cited by Genomenon, Inc); PubMed 11181569 (cited by Genomenon, Inc); PubMed 11406607 (cited by Genomenon, Inc); PubMed 11426459 (cited by Genomenon, Inc); PubMed 18076102 (cited by Genomenon, Inc); PubMed 22016144 (cited by Genomenon, Inc); PubMed 25119967 (cited by Genomenon, Inc); PubMed 25800480 (cited by Genomenon, Inc); PubMed 23573386 (cited by Genomenon, Inc); PubMed 26740388 (cited by Victorian Clinical Genetics Services, Murdoch Childrens Research Institute); PubMed 16501574 (cited by Victorian Clinical Genetics Services, Murdoch Childrens Research Institute); PubMed 18000976 (cited by Victorian Clinical Genetics Services, Murdoch Childrens Research Institute); PubMed 24864036 (cited by Victorian Clinical Genetics Services, Murdoch Childrens Research Institute); PubMed 20301540 (cited by Variantyx, Inc. and GeneReviews); PubMed 21273588 (cited by Variantyx, Inc. and Genetics and Molecular Pathology, SA Pathology); PubMed 9315632 (cited by Variantyx, Inc.); PubMed 23972473 (cited by Variantyx, Inc. and Genetics and Molecular Pathology, SA Pathology); PubMed 12624096 (cited by Variantyx, Inc. and OMIM); PubMed 11055896 (cited by 5 submitters); PubMed 16912704 (cited by Labcorp Genetics (formerly Invitae), Labcorp and Genetics and Molecular Pathology, SA Pathology); PubMed 20453470 (cited by Labcorp Genetics (formerly Invitae), Labcorp and Genetics and Molecular Pathology, SA Pathology); PubMed 21510009 (cited by Labcorp Genetics (formerly Invitae), Labcorp and Genetics and Molecular Pathology, SA Pathology); PubMed 34930662 (cited by Women's Health and Genetics/Laboratory Corporation of America, LabCorp and Genetics and Molecular Pathology, SA Pathology); PubMed 10053006 (cited by Women's Health and Genetics/Laboratory Corporation of America, LabCorp); PubMed 33942288 (cited by Women's Health and Genetics/Laboratory Corporation of America, LabCorp); PubMed 8599935 (cited by Genetics and Molecular Pathology, SA Pathology); PubMed 15843401 (cited by Genetics and Molecular Pathology, SA Pathology); PubMed 20704477 (cited by Genetics and Molecular Pathology, SA Pathology); PubMed 31994750 (cited by Genetics and Molecular Pathology, SA Pathology); PubMed 16752380 (cited by OMIM); PubMed 19855393 (cited by OMIM); NCBI Bookshelf NBK1366 (cited by GeneReviews).